The following is an entry in ClinVar:

NM_000137.4(FAH):c.1205G>A (p.Arg402His)

Gene: FAH (fumarylacetoacetate hydrolase; plus strand). Cytogenetic location: 15q25.1.
Variant type: single nucleotide variant.
Coding change: c.1205G>A on transcript NM_000137.4 (MANE Select); coding-DNA position 1205, G replaced by A.
Protein change: p.Arg402His; replaces arginine 402 with histidine.
Molecular consequence: missense variant.
Genome position (GRCh38, 1-based): chr15:80,186,154, G>A. VCF-style: chr15-80186154-G-A. GRCh37 (hg19) VCF-style: chr15-80478496-G-A.
Other names: p.Arg402His; c.1205G>A, p.Arg402His (NM_001374377.1, NM_001374380.1); short protein forms R402H.
Identifiers: ClinVar variation 287498 (VCV000287498.26), dbSNP rs147796599, ClinGen allele CA7691530.

ClinVar aggregate classification (germline): Conflicting classifications of pathogenicity. Review status: criteria provided, conflicting classifications (1 of 4 stars). 6 submissions from 6 submitters: Uncertain significance (2); Likely benign (2). 2 of the submissions do not count toward it. Last evaluated 2026-02-04.

Conditions:
FAH-related disorder. Also called: FAH-related condition.
Tyrosinemia type I (TYRSN1). Also called: HEPATORENAL TYROSINEMIA; Tyrosinemia type 1; Fumarylacetoacetase deficiency; Deficiency of fumarylacetoacetase; FAH DEFICIENCY. Identifiers: Orphanet 882, MedGen C0268490, MONDO:0010161, OMIM 276700. Disease mechanism: loss of function.

Allele frequency attached by ClinVar (database versions not stated): gnomAD exomes 0.00011; ESP Exome Variant Server 0.00031; ExAC 0.00036; TOPMed 0.00053; gnomAD 0.00092; 1000 Genomes Project 30x 0.00125; 1000 Genomes Project 0.00140.
gnomAD v4.1: 265 of 1,614,050 alleles (0.016%); highest among the groups gnomAD compares: African/African-American, 0.17%; 1 homozygote.

Submissions (6):

Labcorp Genetics (formerly Invitae), Labcorp
Classification: Likely benign for Tyrosinemia type I. Last evaluated: 2026-02-04. Review status: criteria provided, single submitter. Criteria: Invitae Variant Classification Sherloc (09022015). Collection method: clinical testing. Allele origin: germline.

Mayo Clinic Laboratories, Mayo Clinic
Classification: Uncertain significance. Last evaluated: 2021-12-20. Review status: criteria provided, single submitter. Criteria: ACMG Guidelines, 2015. Collection method: clinical testing. Allele origin: germline.

Illumina Laboratory Services, Illumina
Classification: Uncertain significance for Tyrosinemia type I. Last evaluated: 2018-01-13. Review status: criteria provided, single submitter. Criteria: ICSL Variant Classification Criteria 13 December 2019. Collection method: clinical testing. Allele origin: germline.

Eurofins Ntd Llc (ga)
Classification: Likely benign. Last evaluated: 2016-04-11. Review status: criteria provided, single submitter. Criteria: EGL Classification Definitions 2015. Collection method: clinical testing. Allele origin: germline. Observed: 1 variant allele, 1 heterozygote.

PreventionGenetics, part of Exact Sciences
Classification: Likely benign for FAH-related condition. Last evaluated: 2022-02-28. Review status: no assertion criteria provided. Collection method: clinical testing. Allele origin: germline. Not counted in ClinVar's aggregate classification.
Comment: This variant is classified as likely benign based on ACMG/AMP sequence variant interpretation guidelines (Richards et al. 2015 PMID: 25741868, with internal and published modifications).

Natera, Inc.
Classification: Uncertain significance for Tyrosinemia type I. Last evaluated: 2020-04-24. Review status: no assertion criteria provided. Collection method: clinical testing. Allele origin: germline. Not counted in ClinVar's aggregate classification.